The following is an entry in ClinVar:

NM_001164508.2(NEB):c.22940A>G (p.Lys7647Arg)

Genes: NEB (nebulin; minus strand), RIF1 (replication timing regulatory factor 1; plus strand). Cytogenetic location: 2q23.3.
Variant type: single nucleotide variant.
Coding change: c.22940A>G on transcript NM_001164508.2 (MANE Select); coding-DNA position 22940, A replaced by G.
Protein change: p.Lys7647Arg; replaces lysine 7647 with arginine.
Molecular consequence: missense variant.
Genome position (GRCh38, 1-based): chr2:151,514,894, T>C on the plus strand (A>G on the coding strand, the complement: NEB is on the minus strand). VCF-style: chr2-151514894-T-C. GRCh37 (hg19) VCF-style: chr2-152371408-T-C.
Other names: c.22940A>G, p.Lys7647Arg (NM_001164507.2); c.23045A>G, p.Lys7682Arg (NM_001271208.2); c.17837A>G, p.Lys5946Arg (NM_004543.5); c.17837A>G (NM_004543.4); short protein forms K5946R, K7647R, K7682R.
Identifiers: ClinVar variation 2420036 (VCV002420036.9), dbSNP rs773927616, ClinGen allele CA1906490.

ClinVar aggregate classification (germline): Conflicting classifications of pathogenicity. Review status: criteria provided, conflicting classifications (1 of 4 stars). 4 submissions from 4 submitters: Uncertain significance (3); Likely benign (1). Last evaluated 2025-09-25.

Conditions:
Inborn genetic diseases. Identifiers: MedGen C0950123, MeSH D030342.
Nemaline myopathy 2 (NEM2). Also called: Nemaline myopathy 2, autosomal recessive. Identifiers: MedGen C1850569, MONDO:0009725, OMIM 256030.

Allele frequency attached by ClinVar (database versions not stated): gnomAD 0.00001; TOPMed 0.00002; ExAC 0.00003.
gnomAD v4.1: 62 of 1,583,218 alleles (0.0039%); highest among the groups gnomAD compares: Non-Finnish European, 0.0052%; no homozygotes.

Submissions (4):

Ambry Genetics
Classification: Uncertain significance for Inborn genetic diseases. Last evaluated: 2025-09-25. Review status: criteria provided, single submitter. Criteria: Ambry Variant Classification Scheme 2023. Collection method: clinical testing. Allele origin: germline.

Revvity Omics, Revvity
Classification: Uncertain significance. Last evaluated: 2025-05-30. Review status: criteria provided, single submitter. Criteria: ACMG Guidelines, 2015. Collection method: clinical testing. Allele origin: germline.

Labcorp Genetics (formerly Invitae), Labcorp
Classification: Likely benign for Nemaline myopathy 2. Last evaluated: 2025-05-28. Review status: criteria provided, single submitter. Criteria: Invitae Variant Classification Sherloc (09022015). Collection method: clinical testing. Allele origin: germline.

GeneDx
Classification: Uncertain significance. Last evaluated: 2024-05-12. Review status: criteria provided, single submitter. Criteria: GeneDx Variant Classification Process June 2021. Collection method: clinical testing. Allele origin: germline. Affected: yes.
Comment: Has not been previously published as pathogenic or benign to our knowledge; Not observed at significant frequency in large population cohorts (gnomAD); In silico analysis indicates that this missense variant does not alter protein structure/function